The following is an entry in ClinVar:

NM_000153.4(GALC):c.188G>C (p.Gly63Ala)

Genes: GALC (galactosylceramidase; minus strand), LOC130056217 (ATAC-STARR-seq lymphoblastoid silent region 5988; plus strand). Cytogenetic location: 14q31.3.
Variant type: single nucleotide variant.
Coding change: c.188G>C on transcript NM_000153.4 (MANE Select); coding-DNA position 188, G replaced by C.
Protein change: p.Gly63Ala; replaces glycine 63 with alanine.
Molecular consequence: missense variant. On other transcripts: 5 prime UTR variant (3), non-coding transcript variant (1), intron variant (2).
Genome position (GRCh38, 1-based): chr14:87,992,977, C>G on the plus strand (G>C on the coding strand, the complement: GALC is on the minus strand). VCF-style: chr14-87992977-C-G. GRCh37 (hg19) VCF-style: chr14-88459321-C-G.
Other names: c.188G>C (NM_000153.3); c.188G>C, p.Gly63Ala (NM_001201401.2); c.-83G>C (NM_001424072.1); c.-249G>C (NM_001424075.1); c.-480G>C (NM_001424077.1); c.-473+406G>C (NM_001424076.1); c.117+406G>C (NM_001201402.2); short protein forms G63A.
Identifiers: ClinVar variation 3717833 (VCV003717833.5).

ClinVar aggregate classification (germline): Likely pathogenic. Review status: criteria provided, multiple submitters, no conflicts (2 of 4 stars). 3 submissions from 3 submitters: Likely pathogenic (2). 1 of the submissions does not count toward it. Last evaluated 2026-03-11.

Conditions:
Galactosylceramide beta-galactosidase deficiency. Also called: GALACTOCEREBROSIDASE DEFICIENCY; GALC DEFICIENCY; GLOBOID CELL LEUKOENCEPHALOPATHY; Leukodystrophy, Globoid Cell; Krabbe Disease. Identifiers: Orphanet 487, MedGen C0023521, MONDO:0009499, OMIM 245200.

Submissions (3):

GeneDx
Classification: Likely pathogenic. Last evaluated: 2026-03-11. Review status: criteria provided, single submitter. Criteria: GeneDx Variant Classification Process June 2021. Collection method: clinical testing. Allele origin: germline.
Comment: In silico analysis supports that this missense variant has a deleterious effect on protein structure/function; Not observed at significant frequency in large population cohorts (gnomAD); Has not been previously published as pathogenic or benign to our knowledge

Labcorp Genetics (formerly Invitae), Labcorp
Classification: Likely pathogenic for Galactosylceramide beta-galactosidase deficiency. Last evaluated: 2025-07-21. Review status: criteria provided, single submitter. Criteria: Invitae Variant Classification Sherloc (09022015). Collection method: clinical testing. Allele origin: germline.
Comment: This sequence change replaces glycine, which is neutral and non-polar, with alanine, which is neutral and non-polar, at codon 63 of the GALC protein (p.Gly63Ala). This variant is not present in population databases (gnomAD no frequency). This missense change has been observed in individual(s) with clinical features of Krabbe disease (internal data). ClinVar contains an entry for this variant (Variation ID: 3717833). Invitae Evidence Modeling of protein sequence and biophysical properties (such as structural, functional, and spatial information, amino acid conservation, physicochemical variation, residue mobility, and thermodynamic stability) indicates that this missense variant is expected to disrupt GALC protein function with a positive predictive value of 95%. In summary, the currently available evidence indicates that the variant is pathogenic, but additional data are needed to prove that conclusively. Therefore, this variant has been classified as Likely Pathogenic.

Natera, Inc.
Classification: Uncertain significance for Galactosylceramide beta-galactosidase deficiency. Last evaluated: 2025-03-20. Review status: no assertion criteria provided. Collection method: clinical testing. Allele origin: germline. Not counted in ClinVar's aggregate classification.